The following is an entry in ClinVar:

NM_000071.3(CBS):c.892dup (p.Gln298fs)

Gene: CBS (cystathionine beta-synthase; minus strand). Cytogenetic location: 21q22.3.
Variant type: Duplication.
Coding change: c.892dup on transcript NM_000071.3 (MANE Select); coding-DNA position 892, one base duplicated (C; older notation c.892dupC).
Protein change: p.Gln298fs; shifts the reading frame from glutamine 298.
Molecular consequence: frameshift variant.
Genome position (GRCh38, 1-based): chr21:43,063,015, G duplicated on the plus strand (C on the coding strand, the reverse complement: CBS is on the minus strand). VCF-style (leftmost placement, unchanged base first): chr21-43063014-T-TG. GRCh37 (hg19) VCF-style: chr21-44483124-T-TG.
Other names: c.892dup, p.Gln298fs (NM_001178008.3, NM_001178009.3, NM_001320298.2); c.577dup, p.Gln193fs (NM_001321072.1); short protein forms Q298fs, Q193fs.
Identifiers: ClinVar variation 2138394 (VCV002138394.4), dbSNP rs1568929135, ClinGen allele CA920313662.

ClinVar aggregate classification (germline): Pathogenic (1 of 4 stars; one submission).

Conditions:
HYPERHOMOCYSTEINEMIA, THROMBOTIC, CBS-RELATED. Identifiers: MedGen C3150344, OMIM 236200.

Submission:

Labcorp Genetics (formerly Invitae), Labcorp
Classification: Pathogenic for HYPERHOMOCYSTEINEMIA, THROMBOTIC, CBS-RELATED. Last evaluated: 2023-09-12. Review status: criteria provided, single submitter. Criteria: Invitae Variant Classification Sherloc (09022015). Collection method: clinical testing. Allele origin: germline.
Comment: For these reasons, this variant has been classified as Pathogenic. ClinVar contains an entry for this variant (Variation ID: 2138394). This variant is also known as E329X. This premature translational stop signal has been observed in individual(s) with clinical features of homocystinuria due to CBS deficiency (PMID: 11522031). In at least one individual the data is consistent with being in trans (on the opposite chromosome) from a pathogenic variant. This variant is present in population databases (no rsID available, gnomAD 0.002%). This sequence change creates a premature translational stop signal (p.Gln298Profs*32) in the CBS gene. It is expected to result in an absent or disrupted protein product. Loss-of-function variants in CBS are known to be pathogenic (PMID: 10338090, 12124992).

Literature cited by the submitters: PubMed 11522031; PubMed 10338090; PubMed 12124992.